The following is an entry in ClinVar:

ClinVar aggregate classification (germline): Uncertain significance (1 of 4 stars; one submission).

Conditions:
CUL4B-related disorder. Also called: CUL4B-related condition.

gnomAD v4.1: 4 of 1,211,152 alleles (0.00033%); highest among the groups gnomAD compares: Non-Finnish European, 0.00034%; no homozygotes.

Submission:

PreventionGenetics, part of Exact Sciences
Classification: Uncertain significance for CUL4B-related condition. Last evaluated: 2025-08-28. Review status: criteria provided, single submitter. Criteria: ACMG Guidelines, 2015. Collection method: clinical testing. Allele origin: germline.
Comment: The CUL4B c.1094G>C variant is predicted to result in the amino acid substitution p.Arg365Thr. To our knowledge, this variant has not been reported in the literature or in a large population database (gnomAD), indicating this variant is rare. At this time, the clinical significance of this variant is uncertain due to the absence of conclusive functional and genetic evidence.

NM_001079872.2(CUL4B):c.1040G>C (p.Arg347Thr)

Gene: CUL4B (cullin 4B; minus strand). Cytogenetic location: Xq24.
Variant type: single nucleotide variant.
Coding change: c.1040G>C on transcript NM_001079872.2 (MANE Select); coding-DNA position 1040, G replaced by C.
Protein change: p.Arg347Thr; replaces arginine 347 with threonine.
Molecular consequence: missense variant.
Genome position (GRCh38, 1-based): chrX:120,544,524, C>G on the plus strand (G>C on the coding strand, the complement: CUL4B is on the minus strand). VCF-style: chrX-120544524-C-G. GRCh37 (hg19) VCF-style: chrX-119678379-C-G.
Other names: c.1055G>C, p.Arg352Thr (NM_001330624.2); c.506G>C, p.Arg169Thr (NM_001369145.1); c.1094G>C, p.Arg365Thr (NM_003588.4); short protein forms R347T, R365T, R169T, R352T.
Identifiers: ClinVar variation 4984174 (VCV004984174.1).